The following is an entry in ClinVar:

ClinVar aggregate classification (germline): Pathogenic. Review status: criteria provided, single submitter (1 of 4 stars). 2 submissions from 2 submitters: Pathogenic (1). 1 of the submissions does not count toward it. Last evaluated 2023-12-18.

Conditions:
UROD-related disorder. Also called: UROD-related disorders; UROD-related condition.

Submissions (2):

Labcorp Genetics (formerly Invitae), Labcorp
Classification: Pathogenic. Last evaluated: 2023-12-18. Review status: criteria provided, single submitter. Criteria: Invitae Variant Classification Sherloc (09022015). Collection method: clinical testing. Allele origin: germline.
Comment: This sequence change creates a premature translational stop signal (p.Glu271Glyfs*19) in the UROD gene. It is expected to result in an absent or disrupted protein product. Loss-of-function variants in UROD are known to be pathogenic (PMID: 1634232, 17240319, 19233912, 19419417, 23545314). This variant is not present in population databases (gnomAD no frequency). This premature translational stop signal has been observed in individual(s) with UROD-related conditions (PMID: 8896428). For these reasons, this variant has been classified as Pathogenic.

PreventionGenetics, part of Exact Sciences
Classification: Pathogenic for UROD-related condition. Last evaluated: 2024-09-04. Review status: no assertion criteria provided. Collection method: clinical testing. Allele origin: germline. Not counted in ClinVar's aggregate classification.
Comment: The UROD c.812_842del31 variant is predicted to result in a frameshift and premature protein termination (p.Glu271Glyfs*19). This variant, previously reported as c.828-858del, has been reported in an affected mother and daughter with cutaneous porphyria (McManus et al 1996. PubMed ID: 8896428). Other loss of function variants both upstream and downstream of the c.812_842del position in UROD have been previously reported (Weiss et al. 2019. PubMed ID: 305146470). Taken together, we classify this variant as pathogenic.

Literature cited by the submitters: PubMed 1634232 (cited by Labcorp Genetics (formerly Invitae), Labcorp); PubMed 17240319 (cited by Labcorp Genetics (formerly Invitae), Labcorp); PubMed 19233912 (cited by Labcorp Genetics (formerly Invitae), Labcorp); PubMed 19419417 (cited by Labcorp Genetics (formerly Invitae), Labcorp); PubMed 23545314 (cited by Labcorp Genetics (formerly Invitae), Labcorp); PubMed 8896428 (cited by Labcorp Genetics (formerly Invitae), Labcorp).

NM_000374.5(UROD):c.812_842del (p.Glu271fs)

Gene: UROD (uroporphyrinogen decarboxylase; plus strand). Cytogenetic location: 1p34.1.
Variant type: Deletion.
Coding change: c.812_842del on transcript NM_000374.5 (MANE Select); coding-DNA positions 812 to 842, 31 bases deleted.
Protein change: p.Glu271fs; shifts the reading frame from glutamic acid 271.
Molecular consequence: frameshift variant. On other transcripts: non-coding transcript variant (3).
Genome position (GRCh38, 1-based): chr1:45,014,773-45,014,803, 31 bases deleted; deleting any 31 consecutive bases within chr1:45,014,771-45,014,803 gives the same sequence; the c. name uses the placement nearest the transcript's 3' end. GRCh37 (hg19): chr1:45,480,445-45,480,475.
Other names: c.812_842del31 (NM_000374.4); short protein forms E271fs.
Identifiers: ClinVar variation 2907277 (VCV002907277.4), dbSNP rs2522923201, ClinGen allele CA2574350910.